The following is an entry in ClinVar:

ClinVar aggregate classification (germline): Conflicting classifications of pathogenicity. Review status: criteria provided, conflicting classifications (1 of 4 stars). 5 submissions from 5 submitters: Uncertain significance (4); Likely benign (1). Last evaluated 2025-04-14.

Conditions:
Hereditary cancer-predisposing syndrome. Also called: Neoplastic Syndromes, Hereditary; Hereditary neoplastic syndrome; Tumor predisposition; Hereditary Cancer Syndrome. Identifiers: Orphanet 140162, MedGen C0027672, MeSH D009386, MONDO:0015356.
Tuberous sclerosis 1 (TSC1). Identifiers: Orphanet 805, MedGen C1854465, MONDO:0008612, OMIM 191100.
Isolated focal cortical dysplasia type II (FCORD2). Also called: CORTICAL DYSPLASIA OF TAYLOR; Focal cortical dysplasia type II. Identifiers: Orphanet 268994, MedGen C1846385, MONDO:0011818, OMIM 607341, HP:0032051.
Lymphangiomyomatosis (LAM). Also called: Lymphangioleiomyomatosis; Lymphangioleiomyomatosis, somatic. Identifiers: Orphanet 538, MedGen C0751674, MONDO:0011705, OMIM 606690.

Allele frequency attached by ClinVar (database versions not stated): gnomAD exomes below 0.00001 and 0.00001; gnomAD 0.00001; TOPMed 0.00002; 1000 Genomes Project 0.00020; 1000 Genomes Project 30x 0.00031.
gnomAD v4.1: 7 of 1,614,154 alleles (0.00043%); highest among the groups gnomAD compares: African/African-American, 0.0067%; no homozygotes.

Submissions (5):

Labcorp Genetics (formerly Invitae), Labcorp
Classification: Likely benign for Tuberous sclerosis 1. Last evaluated: 2025-04-14. Review status: criteria provided, single submitter. Criteria: Invitae Variant Classification Sherloc (09022015). Collection method: clinical testing. Allele origin: germline.

GeneDx
Classification: Uncertain significance. Last evaluated: 2023-11-29. Review status: criteria provided, single submitter. Criteria: GeneDx Variant Classification Process June 2021. Collection method: clinical testing. Allele origin: germline. Affected: yes.
Comment: In silico analysis supports that this missense variant does not alter protein structure/function; Has not been previously published as pathogenic or benign to our knowledge

Ambry Genetics
Classification: Uncertain significance for Hereditary cancer-predisposing syndrome. Last evaluated: 2023-10-23. Review status: criteria provided, single submitter. Criteria: Ambry Variant Classification Scheme 2023. Collection method: clinical testing. Allele origin: germline.
Comment: The p.M224L variant (also known as c.670A>T), located in coding exon 6 of the TSC1 gene, results from an A to T substitution at nucleotide position 670. The methionine at codon 224 is replaced by leucine, an amino acid with highly similar properties. This amino acid position is not well conserved in available vertebrate species. In addition, this alteration is predicted to be tolerated by in silico analysis. Since supporting evidence is limited at this time, the clinical significance of this alteration remains unclear.

Fulgent Genetics
Classification: Uncertain significance for Tuberous sclerosis 1; Lymphangiomyomatosis; Isolated focal cortical dysplasia type II. Last evaluated: 2022-05-19. Review status: criteria provided, single submitter. Criteria: ACMG Guidelines, 2015. Collection method: clinical testing. Allele origin: unknown.

Genome-Nilou Lab
Classification: Uncertain significance for Tuberous sclerosis 1. Last evaluated: 2021-11-07. Review status: criteria provided, single submitter. Criteria: ACMG Guidelines, 2015. Collection method: clinical testing. Allele origin: germline. Affected: no.

NM_000368.5(TSC1):c.670A>T (p.Met224Leu)

Gene: TSC1 (TSC complex subunit 1; minus strand). Cytogenetic location: 9q34.13.
Variant type: single nucleotide variant.
Coding change: c.670A>T on transcript NM_000368.5 (MANE Select); coding-DNA position 670, A replaced by T.
Protein change: p.Met224Leu; replaces methionine 224 with leucine.
Molecular consequence: missense variant.
Genome position (GRCh38, 1-based): chr9:132,921,430, T>A on the plus strand (A>T on the coding strand, the complement: TSC1 is on the minus strand). VCF-style: chr9-132921430-T-A. GRCh37 (hg19) VCF-style: chr9-135796817-T-A.
Other names: c.670A>T, p.Met224Leu (NM_001162426.2); c.517A>T, p.Met173Leu (NM_001162427.2); c.307A>T, p.Met103Leu (NM_001362177.2); short protein forms M224L, M103L, M173L.
Identifiers: ClinVar variation 534416 (VCV000534416.18), dbSNP rs535397245, ClinGen allele CA200900992.
Genomic context (GRCh38, chr9:132,921,430, plus strand): 5'-GGTCCAGTTCATGGTCCTTGGATCCAGTCACTAATTCCGGATGAATTCGCACATGCTCCA[T>A]CATTGGCTAGAAGAGTTGGGTTGACAAATTATAAAGGGCTGAATGTTTGTGGAACATCCA-3'
Protein context (NP_000359.1, residues 214-234): ETFEEVVKPM[Met224Leu]EHVRIHPELV